The following is an entry in ClinVar:

ClinVar aggregate classification (germline): Uncertain significance (1 of 4 stars; one submission).

gnomAD v4.1: 11 of 1,612,136 alleles (0.00068%); highest among the groups gnomAD compares: South Asian, 0.0011%; no homozygotes.

Submission:

Labcorp Genetics (formerly Invitae), Labcorp
Classification: Uncertain significance. Last evaluated: 2021-08-28. Review status: criteria provided, single submitter. Criteria: Invitae Variant Classification Sherloc (09022015). Collection method: clinical testing. Allele origin: germline.
Comment: This sequence change replaces proline with alanine at codon 576 of the RIN2 protein (p.Pro576Ala). The proline residue is highly conserved and there is a small physicochemical difference between proline and alanine. This variant is not present in population databases (ExAC no frequency). This variant has not been reported in the literature in individuals affected with RIN2-related conditions. Algorithms developed to predict the effect of missense changes on protein structure and function are either unavailable or do not agree on the potential impact of this missense change (SIFT: "Tolerated"; PolyPhen-2: "Not Available"; Align-GVGD: "Class C0"). In summary, the available evidence is currently insufficient to determine the role of this variant in disease. Therefore, it has been classified as a Variant of Uncertain Significance.

NM_018993.4(RIN2):c.1726C>G (p.Pro576Ala)

Gene: RIN2 (Ras and Rab interactor 2; plus strand). Cytogenetic location: 20p11.23.
Variant type: single nucleotide variant.
Coding change: c.1726C>G on transcript NM_018993.4 (MANE Select); coding-DNA position 1726, C replaced by G.
Protein change: p.Pro576Ala; replaces proline 576 with alanine.
Molecular consequence: missense variant.
Genome position (GRCh38, 1-based): chr20:19,975,751, C>G. VCF-style: chr20-19975751-C-G. GRCh37 (hg19) VCF-style: chr20-19956395-C-G.
Other names: c.1873C>G, p.Pro625Ala (NM_001242581.2); c.1108C>G, p.Pro370Ala (NM_001378238.1); short protein forms P370A, P576A, P625A.
Identifiers: ClinVar variation 1393150 (VCV001393150.5), dbSNP rs777337752, ClinGen allele CA312416990.